The following is an entry in ClinVar:

NM_004329.3(BMPR1A):c.868+10C>T

Gene: BMPR1A (bone morphogenetic protein receptor type 1A; plus strand). Cytogenetic location: 10q23.2.
Variant type: single nucleotide variant.
Coding change: c.868+10C>T on transcript NM_004329.3 (MANE Select); 10 bases into the intron after coding-DNA position 868, C replaced by T.
Molecular consequence: intron variant.
Genome position (GRCh38, 1-based): chr10:86,917,336, C>T. VCF-style: chr10-86917336-C-T. GRCh37 (hg19) VCF-style: chr10-88677093-C-T.
Identifiers: ClinVar variation 2168135 (VCV002168135.5), dbSNP rs1843589555, ClinGen allele CA930838894.

ClinVar aggregate classification (germline): Likely benign. Review status: criteria provided, multiple submitters, no conflicts (2 of 4 stars). 2 submissions from 2 submitters: Likely benign (2). Last evaluated 2024-08-08.

Conditions:
Juvenile polyposis syndrome (JPS). Identifiers: Orphanet 2929, MedGen C0345893, MONDO:0017380, OMIM 174900.

Allele frequency attached by ClinVar (database versions not stated): TOPMed below 0.00001; gnomAD 0.00001.
gnomAD v4.1: 1 of 1,613,900 alleles (0.000062%); highest among the groups gnomAD compares: Non-Finnish European, 0.000085%; no homozygotes.

Submissions (2):

Labcorp Genetics (formerly Invitae), Labcorp
Classification: Likely benign for Juvenile polyposis syndrome. Last evaluated: 2024-08-08. Review status: criteria provided, single submitter. Criteria: Invitae Variant Classification Sherloc (09022015). Collection method: clinical testing. Allele origin: germline.

Myriad Genetics, Inc.
Classification: Likely benign for Juvenile polyposis syndrome. Last evaluated: 2024-08-05. Review status: criteria provided, single submitter. Criteria: Myriad Autosomal Dominant, Autosomal Recessive and X-Linked Classification Criteria (2023). Collection method: clinical testing. Allele origin: unknown.
Comment: This variant is considered likely benign. This variant is intronic and is not expected to impact mRNA splicing.